The following is an entry in ClinVar:

ClinVar aggregate classification (germline): Pathogenic (1 of 4 stars; one submission).

Conditions:
Neurofibromatosis, type 1 (NF1). Also called: Neurofibromatosis, type I; VON RECKLINGHAUSEN DISEASE; NEUROFIBROMATOSIS, TYPE I, SOMATIC; Peripheral type neurofibromatosis. Identifiers: Orphanet 636, MedGen C0027831, MONDO:0018975, OMIM 162200. Disease mechanism: loss of function.

Submission:

Labcorp Genetics (formerly Invitae), Labcorp
Classification: Pathogenic for Neurofibromatosis, type 1. Last evaluated: 2024-06-17. Review status: criteria provided, single submitter. Criteria: Invitae Variant Classification Sherloc (09022015). Collection method: clinical testing. Allele origin: germline.
Comment: This sequence change creates a premature translational stop signal (p.Tyr1650*) in the NF1 gene. It is expected to result in an absent or disrupted protein product. Loss-of-function variants in NF1 are known to be pathogenic (PMID: 10712197, 23913538). This variant is not present in population databases (gnomAD no frequency). This premature translational stop signal has been observed in individual(s) with neurofibromatosis type 1 (NF1) (PMID: 15060124). ClinVar contains an entry for this variant (Variation ID: 1459426). For these reasons, this variant has been classified as Pathogenic.

Literature cited by the submitters: PubMed 10712197; PubMed 23913538; PubMed 15060124.

NM_001042492.3(NF1):c.5012dup (p.Tyr1671Ter)

Gene: NF1 (neurofibromin 1; plus strand). Cytogenetic location: 17q11.2.
Variant type: Duplication.
Coding change: c.5012dup on transcript NM_001042492.3 (MANE Select); coding-DNA position 5012, one base duplicated (A; older notation c.5012dupA).
Protein change: p.Tyr1671Ter; replaces tyrosine 1671 with a stop codon.
Molecular consequence: nonsense. On other transcripts: frameshift variant (1).
Genome position (GRCh38, 1-based): chr17:31,325,996, A duplicated. VCF-style (leftmost placement, unchanged base first): chr17-31325995-T-TA. GRCh37 (hg19) VCF-style: chr17-29653013-T-TA.
Other names: c.4949dup, p.Tyr1650Terfs (NM_000267.4); short protein forms Y1650*, Y1671*.
Identifiers: ClinVar variation 1459426 (VCV001459426.8), dbSNP rs2151538116, ClinGen allele CA2573153354.
Genomic context (GRCh38, chr17:31,325,995, plus strand): 5'-AGCAATCGCTTTAAAACAGACTTTCTCTCTAAGTGGTTTGTTGTTTTTCCTGGCTTTGCT[T>TA]ACGACAACGTCTCCGCAGTCTATATCTATAACTGTAACTCCTGGGTCAGGGAGTACACCA-3'